The following is an entry in ClinVar:

ClinVar aggregate classification (germline): Uncertain significance (1 of 4 stars; one submission).

Conditions:
Inosine triphosphatase deficiency. Also called: INOSINE TRIPHOSPHATE PYROPHOSPHOHYDROLASE DEFICIENCY. Identifiers: MedGen C0342800, MONDO:0013461, OMIM 613850.

Allele frequency attached by ClinVar (database versions not stated): gnomAD 0.00001 and 0.00002; TOPMed 0.00003.
gnomAD v4.1: 36 of 1,613,756 alleles (0.0022%); highest among the groups gnomAD compares: Non-Finnish European, 0.0028%; no homozygotes.

Submission:

Labcorp Genetics (formerly Invitae), Labcorp
Classification: Uncertain significance for Inosine triphosphatase deficiency. Last evaluated: 2021-09-01. Review status: criteria provided, single submitter. Criteria: Invitae Variant Classification Sherloc (09022015). Collection method: clinical testing. Allele origin: germline.
Comment: This sequence change replaces alanine with threonine at codon 174 of the ITPA protein (p.Ala174Thr). The alanine residue is weakly conserved and there is a small physicochemical difference between alanine and threonine. This variant is present in population databases (rs747784107, ExAC 0.01%). This variant has not been reported in the literature in individuals affected with ITPA-related conditions. Algorithms developed to predict the effect of missense changes on protein structure and function output the following: SIFT: "Tolerated"; PolyPhen-2: "Benign"; Align-GVGD: "Class C0". The threonine amino acid residue is found in multiple mammalian species, which suggests that this missense change does not adversely affect protein function. In summary, the available evidence is currently insufficient to determine the role of this variant in disease. Therefore, it has been classified as a Variant of Uncertain Significance.

NM_033453.4(ITPA):c.520G>A (p.Ala174Thr)

Gene: ITPA (inosine triphosphatase; plus strand). Cytogenetic location: 20p13.
Variant type: single nucleotide variant.
Coding change: c.520G>A on transcript NM_033453.4 (MANE Select); coding-DNA position 520, G replaced by A.
Protein change: p.Ala174Thr; replaces alanine 174 with threonine.
Molecular consequence: missense variant. On other transcripts: synonymous variant (4), non-coding transcript variant (2), intron variant (1).
Genome position (GRCh38, 1-based): chr20:3,223,397, G>A. VCF-style: chr20-3223397-G-A. GRCh37 (hg19) VCF-style: chr20-3204043-G-A.
Other names: c.397G>A, p.Ala133Thr (NM_001267623.2); c.183G>A, p.Thr61= (NM_001324236.2, NM_001324237.2, NM_001324238.2 and 1 more transcripts); c.469G>A, p.Ala157Thr (NM_181493.4); c.412-3286G>A (NM_001324240.2); short protein forms A174T, A133T, A157T.
Identifiers: ClinVar variation 533417 (VCV000533417.8), dbSNP rs747784107, ClinGen allele CA9741360.